The following is an entry in ClinVar:

NM_020806.5(GPHN):c.1333A>C (p.Thr445Pro)

Gene: GPHN (gephyrin; plus strand). Cytogenetic location: 14q23.3.
Variant type: single nucleotide variant.
Coding change: c.1333A>C on transcript NM_020806.5 (MANE Select); coding-DNA position 1333, A replaced by C.
Protein change: p.Thr445Pro; replaces threonine 445 with proline.
Molecular consequence: missense variant.
Genome position (GRCh38, 1-based): chr14:67,110,179, A>C. VCF-style: chr14-67110179-A-C. GRCh37 (hg19) VCF-style: chr14-67576896-A-C.
Other names: c.1234A>C, p.Thr412Pro (NM_001024218.2); c.1393A>C, p.Thr465Pro (NM_001377514.1); c.1363A>C, p.Thr455Pro (NM_001377515.1); c.1354A>C, p.Thr452Pro (NM_001377516.1); c.1306A>C, p.Thr436Pro (NM_001377517.1); c.1291A>C, p.Thr431Pro (NM_001377518.1); c.1273A>C, p.Thr425Pro (NM_001377519.1); short protein forms T445P, T412P, T425P, T431P, T436P, T452P, T455P, T465P.
Identifiers: ClinVar variation 655988 (VCV000655988.8), dbSNP rs1595179146, ClinGen allele CA390257873.
Genomic context (GRCh38, chr14:67,110,179, plus strand): 5'-CTTTTTCATCTTTATTTCCAGCCAACTCAGACAGTAATGCCAGGACAAGTCATGCGGGTT[A>C]CAACAGGTGCTCCAATACCCTGCGGTGCTGATGCAGTAGTACAAGTGGAAGATACCGAAC-3'
Protein context (NP_065857.1, residues 435-455): TVMPGQVMRV[Thr445Pro]TGAPIPCGAD

ClinVar aggregate classification (germline): Uncertain significance (1 of 4 stars; one submission).

Conditions:
Sulfite oxidase deficiency due to molybdenum cofactor deficiency type C. Also called: Molybdenum cofactor deficiency, complementation group C; Molybdenum cofactor deficiency C. Identifiers: Orphanet 308400, Orphanet 833, MedGen C1854990, MONDO:0014212, OMIM 615501.

Allele frequency attached by ClinVar (database versions not stated): gnomAD exomes below 0.00001.
gnomAD v4.1: 1 of 1,612,732 alleles (0.000062%); highest among the groups gnomAD compares: Admixed American, 0.0017%; no homozygotes.

Submission:

Labcorp Genetics (formerly Invitae), Labcorp
Classification: Uncertain significance for Sulfite oxidase deficiency due to molybdenum cofactor deficiency type C. Last evaluated: 2025-01-06. Review status: criteria provided, single submitter. Criteria: Invitae Variant Classification Sherloc (09022015). Collection method: clinical testing. Allele origin: germline.
Comment: This sequence change replaces threonine, which is neutral and polar, with proline, which is neutral and non-polar, at codon 445 of the GPHN protein (p.Thr445Pro). This variant is not present in population databases (gnomAD no frequency). This variant has not been reported in the literature in individuals affected with GPHN-related conditions. ClinVar contains an entry for this variant (Variation ID: 655988). Invitae Evidence Modeling of protein sequence and biophysical properties (such as structural, functional, and spatial information, amino acid conservation, physicochemical variation, residue mobility, and thermodynamic stability) indicates that this missense variant is expected to disrupt GPHN protein function with a positive predictive value of 80%. In summary, the available evidence is currently insufficient to determine the role of this variant in disease. Therefore, it has been classified as a Variant of Uncertain Significance.